The following is an entry in ClinVar:

ClinVar aggregate classification (germline): Uncertain significance (1 of 4 stars; one submission).

Allele frequency attached by ClinVar (database versions not stated): TOPMed 0.00002.
gnomAD v4.1: 2 of 1,587,022 alleles (0.00013%); highest among the groups gnomAD compares: South Asian, 0.0011%; no homozygotes.

Submission:

Labcorp Genetics (formerly Invitae), Labcorp
Classification: Uncertain significance. Last evaluated: 2024-04-15. Review status: criteria provided, single submitter. Criteria: Invitae Variant Classification Sherloc (09022015). Collection method: clinical testing. Allele origin: germline.
Comment: This sequence change replaces alanine, which is neutral and non-polar, with serine, which is neutral and polar, at codon 62 of the NAF1 protein (p.Ala62Ser). The frequency data for this variant in the population databases is considered unreliable, as metrics indicate poor data quality at this position in the gnomAD database. This variant has not been reported in the literature in individuals affected with NAF1-related conditions. An algorithm developed to predict the effect of missense changes on protein structure and function (PolyPhen-2) suggests that this variant is likely to be tolerated. In summary, the available evidence is currently insufficient to determine the role of this variant in disease. Therefore, it has been classified as a Variant of Uncertain Significance.

NM_138386.3(NAF1):c.184G>T (p.Ala62Ser)

Gene: NAF1 (nuclear assembly factor 1 ribonucleoprotein; minus strand). Cytogenetic location: 4q32.2.
Variant type: single nucleotide variant.
Coding change: c.184G>T on transcript NM_138386.3 (MANE Select); coding-DNA position 184, G replaced by T.
Protein change: p.Ala62Ser; replaces alanine 62 with serine.
Molecular consequence: missense variant.
Genome position (GRCh38, 1-based): chr4:163,166,544, C>A on the plus strand (G>T on the coding strand, the complement: NAF1 is on the minus strand). VCF-style: chr4-163166544-C-A. GRCh37 (hg19) VCF-style: chr4-164087696-C-A.
Other names: c.184G>T, p.Ala62Ser (NM_001128931.2); short protein forms A62S.
Identifiers: ClinVar variation 2957112 (VCV002957112.3), dbSNP rs1244115091, ClinGen allele CA358661787.
Genomic context (GRCh38, chr4:163,166,544, plus strand): 5'-GCGGCGCCGGGGTCCCGGCCGCGACGGCGTTCAGAACGGGCTGCAGAGGCTGCTCCCCGG[C>A]AGGCTTAACCTCCACGGTCTGCCCAGCGTCCGGGGACCCCTCAAACGACTGTAGCGGCGG-3'
Protein context (NP_612395.2, residues 52-72): DAGQTVEVKP[Ala62Ser]GEQPLQPVLN